The following is an entry in ClinVar:

NM_000051.4(ATM):c.4700A>T (p.Asp1567Val)

Gene: ATM (ATM serine/threonine kinase; plus strand). Cytogenetic location: 11q22.3.
Variant type: single nucleotide variant.
Coding change: c.4700A>T on transcript NM_000051.4 (MANE Select); coding-DNA position 4700, A replaced by T.
Protein change: p.Asp1567Val; replaces aspartic acid 1567 with valine.
Molecular consequence: missense variant.
Genome position (GRCh38, 1-based): chr11:108,293,401, A>T. VCF-style: chr11-108293401-A-T. GRCh37 (hg19) VCF-style: chr11-108164128-A-T.
Other names: c.4700A>T, p.Asp1567Val (NM_001351834.2); short protein forms D1567V.
Identifiers: ClinVar variation 1742553 (VCV001742553.2), dbSNP rs1565463108, ClinGen allele CA382534854.

ClinVar aggregate classification (germline): Uncertain significance (1 of 4 stars; one submission).

Conditions:
Hereditary cancer-predisposing syndrome. Also called: Hereditary Cancer Syndrome; Hereditary neoplastic syndrome; Neoplastic Syndromes, Hereditary; Tumor predisposition. Identifiers: Orphanet 140162, MedGen C0027672, MeSH D009386, MONDO:0015356.

Submission:

Ambry Genetics
Classification: Uncertain significance for Hereditary cancer-predisposing syndrome. Last evaluated: 2021-12-14. Review status: criteria provided, single submitter. Criteria: Ambry Variant Classification Scheme 2023. Collection method: clinical testing. Allele origin: germline.
Comment: The p.D1567V variant (also known as c.4700A>T), located in coding exon 30 of the ATM gene, results from an A to T substitution at nucleotide position 4700. The aspartic acid at codon 1567 is replaced by valine, an amino acid with highly dissimilar properties. This amino acid position is conserved. In addition, the in silico prediction for this alteration is inconclusive. Since supporting evidence is limited at this time, the clinical significance of this alteration remains unclear.